The following is an entry in ClinVar:

NM_000397.4(CYBB):c.1528_1529del (p.Leu510fs)

Gene: CYBB (cytochrome b-245 beta chain; plus strand). Cytogenetic location: Xp11.4.
Variant type: Deletion.
Coding change: c.1528_1529del on transcript NM_000397.4 (MANE Select); coding-DNA positions 1528 to 1529, 2 bases deleted (TT; older notation c.1528_1529delTT).
Protein change: p.Leu510fs; shifts the reading frame from leucine 510.
Molecular consequence: frameshift variant.
Genome position (GRCh38, 1-based): chrX:37,809,633-37,809,634, TT deleted; deleting any 2 consecutive bases within chrX:37,809,632-37,809,634 gives the same sequence; the c. name uses the placement nearest the transcript's 3' end. VCF-style (leftmost placement, unchanged base first): chrX-37809631-CTT-C. GRCh37 (hg19) VCF-style: chrX-37668884-CTT-C.
Other names: short protein forms L510fs.
Identifiers: ClinVar variation 3724208 (VCV003724208.2).
Genomic context (GRCh38, chrX:37,809,631, plus strand): 5'-ATCACTTTGCTGTGCACCATGATGAGGAGAAAGATGTGATCACAGGCCTGAAACAAAAGA[CTT>C]TGTATGGACGGCCCAACTGGGATAATGAATTCAAGACAATTGCAAGTCAACACCCTAAGT-3'

ClinVar aggregate classification (germline): Pathogenic (1 of 4 stars; one submission).

Conditions:
Granulomatous disease, chronic, X-linked. Also called: GRANULOMATOUS DISEASE, CHRONIC, X-LINKED, SOMATIC MOSAIC; CYTOCHROME b-NEGATIVE GRANULOMATOUS DISEASE, CHRONIC, X-LINKED. Identifiers: Orphanet 379, MedGen C1844376, MONDO:0010600, OMIM 306400.

Submission:

Labcorp Genetics (formerly Invitae), Labcorp
Classification: Pathogenic for Granulomatous disease, chronic, X-linked. Last evaluated: 2024-11-25. Review status: criteria provided, single submitter. Criteria: Invitae Variant Classification Sherloc (09022015). Collection method: clinical testing. Allele origin: germline.
Comment: This sequence change creates a premature translational stop signal (p.Leu510Valfs*8) in the CYBB gene. While this is not anticipated to result in nonsense mediated decay, it is expected to disrupt the last 61 amino acid(s) of the CYBB protein. This variant is not present in population databases (gnomAD no frequency). This premature translational stop signal has been observed in individual(s) with chronic granulomatous disease (PMID: 9585602, 29560547). This variant disrupts a region of the CYBB protein in which other variant(s) (p.Glu568Lys) have been determined to be pathogenic (PMID: 10627478, 20724480; internal data). This suggests that this is a clinically significant region of the protein, and that variants that disrupt it are likely to be disease-causing. For these reasons, this variant has been classified as Pathogenic.

Literature cited by the submitters: PubMed 9585602; PubMed 29560547; PubMed 10627478; PubMed 20724480.